The following is an entry in ClinVar:

ClinVar aggregate classification (germline): Pathogenic (1 of 4 stars; one submission).

Conditions:
Multiple endocrine neoplasia, type 1 (MEN1). Also called: MEA I; MEN I; WERMER SYNDROME; Endocrine adenomatosis multiple; MEN 1. Identifiers: Orphanet 652, MedGen C0025267, MeSH D018761, MONDO:0007540, OMIM 131100.

Submission:

Labcorp Genetics (formerly Invitae), Labcorp
Classification: Pathogenic for Multiple endocrine neoplasia, type 1. Last evaluated: 2024-01-19. Review status: criteria provided, single submitter. Criteria: Invitae Variant Classification Sherloc (09022015). Collection method: clinical testing. Allele origin: germline.
Comment: This sequence change creates a premature translational stop signal (p.Gly449Valfs*83) in the MEN1 gene. While this is not anticipated to result in nonsense mediated decay, it is expected to disrupt the last 162 amino acid(s) of the MEN1 protein. This variant is not present in population databases (gnomAD no frequency). This variant has not been reported in the literature in individuals affected with MEN1-related conditions. This variant disrupts a region of the MEN1 protein in which other variant(s) (p.Thr580Argfs*8 ) have been determined to be pathogenic (Invitae). This suggests that this is a clinically significant region of the protein, and that variants that disrupt it are likely to be disease-causing. For these reasons, this variant has been classified as Pathogenic.

NM_001370259.2(MEN1):c.1345_1346insTGTC (p.Gly449fs)

Gene: MEN1 (menin 1; minus strand). Cytogenetic location: 11q13.1.
Variant type: Insertion.
Coding change: c.1345_1346insTGTC on transcript NM_001370259.2 (MANE Select); coding-DNA positions 1345 to 1346, TGTC inserted.
Protein change: p.Gly449fs; shifts the reading frame from glycine 449.
Molecular consequence: frameshift variant. On other transcripts: non-coding transcript variant (4), intron variant (1).
Genome position: GRCh38 VCF-style: chr11-64805038-C-CGACA. GRCh37 (hg19) VCF-style: chr11-64572510-C-CGACA.
Other names: c.1360_1361insTGTC, p.Gly454fs (NM_000244.4, NM_001407145.1, NM_130800.3 and 4 more transcripts); c.1471_1472insTGTC, p.Gly491fs (NM_001370251.2, NM_001407142.1, NM_001407143.1 and 1 more transcripts); c.1345_1346insTGTC, p.Gly449fs (NM_001370260.2, NM_001370261.2, NM_001407146.1 and 2 more transcripts); c.1240_1241insTGTC, p.Gly414fs (NM_001370262.2, NM_001370263.2, NM_001407148.1 and 1 more transcripts); c.1486_1487insTGTC, p.Gly496fs (NM_001407150.1); c.1366_1367insTGTC, p.Gly456fs (NM_001407151.1); c.1186-223_1186-222insTGTC (NM_001407152.1); short protein forms G454fs, G414fs, G449fs, G491fs, G496fs, G456fs.
Identifiers: ClinVar variation 2710235 (VCV002710235.3), dbSNP rs2497140542, ClinGen allele CA2697548656.